The following is an entry in ClinVar:

ClinVar aggregate classification (germline): Uncertain significance (1 of 4 stars; one submission).

Submission:

Labcorp Genetics (formerly Invitae), Labcorp
Classification: Uncertain significance. Last evaluated: 2022-05-18. Review status: criteria provided, single submitter. Criteria: Invitae Variant Classification Sherloc (09022015). Collection method: clinical testing. Allele origin: germline.
Comment: In summary, the available evidence is currently insufficient to determine the role of this variant in disease. Therefore, it has been classified as a Variant of Uncertain Significance. This variant has not been reported in the literature in individuals affected with MYLK3-related conditions. This variant is present in population databases (no rsID available, gnomAD no frequency). This sequence change creates a premature translational stop signal (p.Gln43Lysfs*55) in the MYLK3 gene. It is expected to result in an absent or disrupted protein product. However, the current clinical and genetic evidence is not sufficient to establish whether loss-of-function variants in MYLK3 cause disease.

NM_182493.3(MYLK3):c.127del (p.Gln43fs)

Gene: MYLK3 (myosin light chain kinase 3; minus strand). Cytogenetic location: 16q11.2.
Variant type: Deletion.
Coding change: c.127del on transcript NM_182493.3 (MANE Select); coding-DNA position 127, one base deleted (C; older notation c.127delC).
Protein change: p.Gln43fs; shifts the reading frame from glutamine 43.
Molecular consequence: frameshift variant. On other transcripts: intron variant (1).
Genome position (GRCh38, 1-based): chr16:46,748,067, G deleted on the plus strand (C on the coding strand, the reverse complement: MYLK3 is on the minus strand); the first of 2 consecutive G bases (chr16:46,748,067-46,748,068); deleting either gives the same sequence. VCF-style (leftmost placement, unchanged base first): chr16-46748066-TG-T. GRCh37 (hg19) VCF-style: chr16-46781978-TG-T.
Other names: c.-113-7920del (NM_001308301.1); short protein forms Q43fs.
Identifiers: ClinVar variation 1996172 (VCV001996172.4), dbSNP rs1567292187, ClinGen allele CA622280562.